The following is an entry in ClinVar:

ClinVar aggregate classification (germline): Uncertain significance (1 of 4 stars; one submission).

gnomAD v4.1: 3 of 1,613,136 alleles (0.00019%); highest among the groups gnomAD compares: Non-Finnish European, 0.00025%; no homozygotes.

Submission:

GeneDx
Classification: Uncertain significance. Last evaluated: 2024-09-12. Review status: criteria provided, single submitter. Criteria: GeneDx Variant Classification Process June 2021. Collection method: clinical testing. Allele origin: germline. Affected: yes.
Comment: Not observed at significant frequency in large population cohorts (gnomAD); Nonsense variant predicted to result in protein truncation as the last 2 amino acids are lost; Has not been previously published as pathogenic or benign to our knowledge

NM_031889.3(ENAM):c.3421C>T (p.Gln1141Ter)

Gene: ENAM (enamelin; plus strand). Cytogenetic location: 4q13.3.
Variant type: single nucleotide variant.
Coding change: c.3421C>T on transcript NM_031889.3 (MANE Select); coding-DNA position 3421, C replaced by T.
Protein change: p.Gln1141Ter; replaces glutamine 1141 with a stop codon.
Molecular consequence: nonsense.
Genome position (GRCh38, 1-based): chr4:70,644,847, C>T. VCF-style: chr4-70644847-C-T. GRCh37 (hg19) VCF-style: chr4-71510564-C-T.
Other names: c.2767C>T, p.Gln923Ter (NM_001368133.1); short protein forms Q1141*, Q923*.
Identifiers: ClinVar variation 3769675 (VCV003769675.1).